The following is an entry in ClinVar:

NM_001278293.3(ARL6):c.4G>C (p.Gly2Arg)

Gene: ARL6 (ARF like GTPase 6; plus strand). Cytogenetic location: 3q11.2.
Variant type: single nucleotide variant.
Coding change: c.4G>C on transcript NM_001278293.3 (MANE Select); coding-DNA position 4, G replaced by C.
Protein change: p.Gly2Arg; replaces glycine 2 with arginine.
Molecular consequence: missense variant. On other transcripts: non-coding transcript variant (7).
Genome position (GRCh38, 1-based): chr3:97,768,111, G>C. VCF-style: chr3-97768111-G-C. GRCh37 (hg19) VCF-style: chr3-97486955-G-C.
Other names: c.4G>C, p.Gly2Arg (NM_001323513.2, NM_001323514.2, NM_032146.5 and 1 more transcripts); short protein forms G2R.
Identifiers: ClinVar variation 2088978 (VCV002088978.4), dbSNP rs771628868, ClinGen allele CA353581784.
Genomic context (GRCh38, chr3:97,768,111, plus strand): 5'-GGGTAATATTTTATTTTTTCTTAATTGCAGCTGGTTTGTAAATATTTGAATCACATTATG[G>C]GATTGCTAGACAGACTTTCAGTCTTGCTTGGCCTGAAGAAGAAGGAGGTTCATGTTTTGT-3'
Protein context (NP_001265222.1, residues 1-12): M[Gly2Arg]LLDRLSVLLG

ClinVar aggregate classification (germline): Uncertain significance (1 of 4 stars; one submission).

Conditions:
Retinitis pigmentosa 55 (RP55). Identifiers: Orphanet 791, MedGen C3150808, MONDO:0013312, OMIM 613575.
Bardet-Biedl syndrome 3 (BBS3). Identifiers: Orphanet 110, MedGen C1859564, MONDO:0010832, OMIM 600151.

Submission:

Labcorp Genetics (formerly Invitae), Labcorp
Classification: Uncertain significance for Retinitis pigmentosa 55; Bardet-Biedl syndrome 3. Last evaluated: 2022-01-21. Review status: criteria provided, single submitter. Criteria: Invitae Variant Classification Sherloc (09022015). Collection method: clinical testing. Allele origin: germline.
Comment: This sequence change replaces glycine, which is neutral and non-polar, with arginine, which is basic and polar, at codon 2 of the ARL6 protein (p.Gly2Arg). This variant is not present in population databases (gnomAD no frequency). In summary, the available evidence is currently insufficient to determine the role of this variant in disease. Therefore, it has been classified as a Variant of Uncertain Significance. Algorithms developed to predict the effect of missense changes on protein structure and function are either unavailable or do not agree on the potential impact of this missense change (SIFT: "Deleterious"; PolyPhen-2: "Probably Damaging"; Align-GVGD: "Class C15"). This variant has not been reported in the literature in individuals affected with ARL6-related conditions.